The following is an entry in ClinVar:

ClinVar aggregate classification (germline): Uncertain significance. Review status: criteria provided, single submitter (1 of 4 stars). 2 submissions from 2 submitters: Uncertain significance (1). 1 of the submissions does not count toward it. Last evaluated 2020-10-10.

Conditions:
Charcot-Marie-Tooth disease. Also called: Charcot-Marie-Tooth Hereditary Neuropathy; Charcot-Marie-Tooth Neuropathy. Identifiers: Orphanet 166, MedGen C0007959, MONDO:0015626.
Charcot-Marie-Tooth Neuropathy X. Identifiers: MedGen CN118851.

Submissions (2):

Labcorp Genetics (formerly Invitae), Labcorp
Classification: Uncertain significance for Charcot-Marie-Tooth Neuropathy X. Last evaluated: 2020-10-10. Review status: criteria provided, single submitter. Criteria: Invitae Variant Classification Sherloc (09022015). Collection method: clinical testing. Allele origin: germline.
Comment: This sequence change replaces valine with glycine at codon 84 of the GJB1 protein (p.Val84Gly). The valine residue is highly conserved and there is a moderate physicochemical difference between valine and glycine. This variant is not present in population databases (ExAC no frequency). This variant has been observed in individual(s) with hereditary motor & sensory neuropathy (PMID: 23011429). ClinVar contains an entry for this variant (Variation ID: 637229). Algorithms developed to predict the effect of missense changes on protein structure and function (SIFT, PolyPhen-2, Align-GVGD) all suggest that this variant is likely to be disruptive, but these predictions have not been confirmed by published functional studies and their clinical significance is uncertain. This variant disrupts the p.Val84 amino acid residue in GJB1. Other variant(s) that disrupt this residue have been observed in individuals with GJB1-related conditions (PMID: 9401007), which suggests that this may be a clinically significant amino acid residue. In summary, the available evidence is currently insufficient to determine the role of this variant in disease. Therefore, it has been classified as a Variant of Uncertain Significance.

Inherited Neuropathy Consortium
Classification: Uncertain significance for Charcot-Marie-Tooth disease. Review status: no assertion criteria provided. Collection method: literature only. Allele origin: germline. Affected: yes. Not counted in ClinVar's aggregate classification.

Literature cited by the submitters: PubMed 23011429 (cited by Labcorp Genetics (formerly Invitae), Labcorp and Inherited Neuropathy Consortium); PubMed 9401007 (cited by Labcorp Genetics (formerly Invitae), Labcorp).

NM_000166.6(GJB1):c.251T>G (p.Val84Gly)

Gene: GJB1 (gap junction protein beta 1; plus strand). Cytogenetic location: Xq13.1.
Variant type: single nucleotide variant.
Coding change: c.251T>G on transcript NM_000166.6 (MANE Select); coding-DNA position 251, T replaced by G.
Protein change: p.Val84Gly; replaces valine 84 with glycine.
Molecular consequence: missense variant.
Genome position (GRCh38, 1-based): chrX:71,223,958, T>G. VCF-style: chrX-71223958-T-G. GRCh37 (hg19) VCF-style: chrX-70443808-T-G.
Other names: c.251T>G, p.Val84Gly (NM_001097642.3); short protein forms V84G.
Identifiers: ClinVar variation 637229 (VCV000637229.9), dbSNP rs1602349008, ClinGen allele CA413501662.